The following is an entry in ClinVar:

NM_000388.4(CASR):c.1609-2A>G

Gene: CASR (calcium sensing receptor; plus strand). Cytogenetic location: 3q21.1.
Variant type: single nucleotide variant.
Coding change: c.1609-2A>G on transcript NM_000388.4 (MANE Select); the canonical splice acceptor site of the intron before coding-DNA position 1609, A replaced by G.
Molecular consequence: splice acceptor variant. On other transcripts: missense variant (1).
Genome position (GRCh38, 1-based): chr3:122,282,111, A>G. VCF-style: chr3-122282111-A-G. GRCh37 (hg19) VCF-style: chr3-122000958-A-G.
Other names: c.1637A>G, p.Gln546Arg (NM_001178065.2); short protein forms Q546R.
Identifiers: ClinVar variation 854168 (VCV000854168.11), dbSNP rs761084315, ClinGen allele CA354156106.

ClinVar aggregate classification (germline): Likely pathogenic. Review status: criteria provided, multiple submitters, no conflicts (2 of 4 stars). 2 submissions from 2 submitters: Likely pathogenic (2). Last evaluated 2024-08-27.

Conditions:
Familial hypocalciuric hypercalcemia 1. Also called: Hypercalcemia, familial benign type 1. Identifiers: Orphanet 405, Orphanet 93372, MedGen C0342637, MONDO:0007791, OMIM 145980.
Familial hypocalciuric hypercalcemia (FHH). Also called: Familial benign hypercalcemia. Identifiers: Orphanet 405, MedGen C1809471, MONDO:0018458.
Autosomal dominant hypocalcemia 1 (HYPOC1). Also called: HYPOCALCEMIA, FAMILIAL. Identifiers: MedGen C3715128, MONDO:0011013, OMIM 601198.

Submissions (2):

Labcorp Genetics (formerly Invitae), Labcorp
Classification: Likely pathogenic for Familial hypocalciuric hypercalcemia; Autosomal dominant hypocalcemia 1. Last evaluated: 2024-08-27. Review status: criteria provided, single submitter. Criteria: Invitae Variant Classification Sherloc (09022015). Collection method: clinical testing. Allele origin: germline.
Comment: This sequence change affects an acceptor splice site in intron 5 of the CASR gene. It is expected to disrupt RNA splicing. Variants that disrupt the donor or acceptor splice site typically lead to a loss of protein function (PMID: 16199547), and loss-of-function variants in CASR are known to be pathogenic (PMID: 11807402, 14985373, 22422767). This variant is not present in population databases (gnomAD no frequency). Disruption of this splice site has been observed in individual(s) with nephrolithiasis (PMID: 34772415). ClinVar contains an entry for this variant (Variation ID: 854168). Algorithms developed to predict the effect of sequence changes on RNA splicing suggest that this variant may disrupt the consensus splice site. In summary, the currently available evidence indicates that the variant is pathogenic, but additional data are needed to prove that conclusively. Therefore, this variant has been classified as Likely Pathogenic.

Clinical Genetics and Genomics, Karolinska University Hospital
Classification: Likely pathogenic for Familial hypocalciuric hypercalcemia 1. Last evaluated: 2024-04-08. Review status: criteria provided, single submitter. Criteria: Strehlow et al. (Brain. 2019). Collection method: clinical testing. Allele origin: germline. Inheritance: Autosomal dominant inheritance. Affected: yes.

Literature cited by the submitters: PubMed 16199547 (cited by Labcorp Genetics (formerly Invitae), Labcorp); PubMed 11807402 (cited by Labcorp Genetics (formerly Invitae), Labcorp); PubMed 14985373 (cited by Labcorp Genetics (formerly Invitae), Labcorp); PubMed 22422767 (cited by Labcorp Genetics (formerly Invitae), Labcorp); PubMed 34772415 (cited by Labcorp Genetics (formerly Invitae), Labcorp).